The following is an entry in ClinVar:

ClinVar aggregate classification (germline): Uncertain significance (1 of 4 stars; one submission).

Submission:

GeneDx
Classification: Uncertain significance. Last evaluated: 2023-01-25. Review status: criteria provided, single submitter. Criteria: GeneDx Variant Classification Process June 2021. Collection method: clinical testing. Allele origin: germline. Affected: yes.
Comment: Not observed at significant frequency in large population cohorts (gnomAD); In silico analysis supports that this missense variant has a deleterious effect on protein structure/function; Has not been previously published as pathogenic or benign to our knowledge

NM_001170629.2(CHD8):c.5472C>A (p.Phe1824Leu)

Gene: CHD8 (chromodomain helicase DNA binding protein 8; minus strand). Cytogenetic location: 14q11.2.
Variant type: single nucleotide variant.
Coding change: c.5472C>A on transcript NM_001170629.2 (MANE Select); coding-DNA position 5472, C replaced by A.
Protein change: p.Phe1824Leu; replaces phenylalanine 1824 with leucine.
Molecular consequence: missense variant.
Genome position (GRCh38, 1-based): chr14:21,394,404, G>T on the plus strand (C>A on the coding strand, the complement: CHD8 is on the minus strand). VCF-style: chr14-21394404-G-T. GRCh37 (hg19) VCF-style: chr14-21862563-G-T.
Other names: c.4635C>A, p.Phe1545Leu (NM_020920.4); short protein forms F1545L, F1824L.
Identifiers: ClinVar variation 2574327 (VCV002574327.1), dbSNP rs2501859751, ClinGen allele CA388883301.